The following is an entry in ClinVar:

ClinVar aggregate classification (germline): Conflicting classifications of pathogenicity. Review status: criteria provided, conflicting classifications (1 of 4 stars). 6 submissions from 6 submitters: Uncertain significance (2); Benign (1); Likely benign (3). Last evaluated 2025-08-07.

Conditions:
ABHD12-related disorder. Also called: ABHD12-related condition.

Allele frequency attached by ClinVar (database versions not stated): TOPMed 0.00053; 1000 Genomes Project 0.00100; ESP Exome Variant Server 0.00100; 1000 Genomes Project 30x 0.00125.
gnomAD v4.1: 161 of 1,613,606 alleles (0.01%); highest among the groups gnomAD compares: African/African-American, 0.18%; no homozygotes.

Submissions (6):

Mayo Clinic Laboratories, Mayo Clinic
Classification: Likely benign. Last evaluated: 2025-08-07. Review status: criteria provided, single submitter. Criteria: ACMG Guidelines, 2015. Collection method: clinical testing. Allele origin: germline. Observed: 1 variant allele.
Comment: BS1, BP4_moderate

PreventionGenetics, part of Exact Sciences
Classification: Likely benign for ABHD12-related condition. Last evaluated: 2025-02-21. Review status: criteria provided, single submitter. Criteria: ACMG Guidelines, 2015. Collection method: clinical testing. Allele origin: germline.
Comment: This variant is classified as likely benign based on ACMG/AMP sequence variant interpretation guidelines (Richards et al. 2015 PMID: 25741868, with internal and published modifications).

Labcorp Genetics (formerly Invitae), Labcorp
Classification: Uncertain significance. Last evaluated: 2022-10-24. Review status: criteria provided, single submitter. Criteria: Invitae Variant Classification Sherloc (09022015). Collection method: clinical testing. Allele origin: germline.
Comment: This sequence change replaces aspartic acid, which is acidic and polar, with glutamic acid, which is acidic and polar, at codon 135 of the ABHD12 protein (p.Asp135Glu). This variant is present in population databases (rs147070618, gnomAD 0.2%). This variant has not been reported in the literature in individuals affected with ABHD12-related conditions. ClinVar contains an entry for this variant (Variation ID: 595065). Advanced modeling of protein sequence and biophysical properties (such as structural, functional, and spatial information, amino acid conservation, physicochemical variation, residue mobility, and thermodynamic stability) performed at Invitae indicates that this missense variant is not expected to disrupt ABHD12 protein function. In summary, the available evidence is currently insufficient to determine the role of this variant in disease. Therefore, it has been classified as a Variant of Uncertain Significance.

Blueprint Genetics
Classification: Benign. Last evaluated: 2022-10-14. Review status: criteria provided, single submitter. Criteria: ACMG Guidelines, 2015. Collection method: clinical testing. Allele origin: germline.

GeneDx
Classification: Likely benign. Last evaluated: 2020-09-16. Review status: criteria provided, single submitter. Criteria: GeneDx Variant Classification Process June 2021. Collection method: clinical testing. Allele origin: germline. Affected: yes.

Eurofins Ntd Llc (ga)
Classification: Uncertain significance. Last evaluated: 2017-11-30. Review status: criteria provided, single submitter. Criteria: EGL Classification Definitions 2015. Collection method: clinical testing. Allele origin: germline. Observed: 1 variant allele, 1 heterozygote.

NM_001042472.3(ABHD12):c.405C>A (p.Asp135Glu)

Gene: ABHD12 (abhydrolase domain containing 12, lysophospholipase; minus strand). Cytogenetic location: 20p11.21.
Variant type: single nucleotide variant.
Coding change: c.405C>A on transcript NM_001042472.3 (MANE Select); coding-DNA position 405, C replaced by A.
Protein change: p.Asp135Glu; replaces aspartic acid 135 with glutamic acid.
Molecular consequence: missense variant.
Genome position (GRCh38, 1-based): chr20:25,323,342, G>T on the plus strand (C>A on the coding strand, the complement: ABHD12 is on the minus strand). VCF-style: chr20-25323342-G-T. GRCh37 (hg19) VCF-style: chr20-25303978-G-T.
Other names: p.Asp135Glu; c.405C>A, p.Asp135Glu (NM_015600.5); short protein forms D135E.
Identifiers: ClinVar variation 595065 (VCV000595065.15), dbSNP rs147070618, ClinGen allele CA9796164.
Genomic context (GRCh38, chr20:25,323,342, plus strand): 5'-CTTTCCTGCTGCTGGAGGGGCTGCAGAGCTCACTGGCACTCACCAGACTCCAATGGTCAC[G>T]TCTTCCTCTGGCTGCAGGTAGTAGTTACACGTGTGATTCAAACCTTGATCCTGTGGTTTT-3'
Protein context (NP_001035937.1, residues 125-145): TCNYYLQPEE[Asp135Glu]VTIGVWHTVP